The following is an entry in ClinVar:

ClinVar aggregate classification (germline): Likely benign. Review status: criteria provided, multiple submitters, no conflicts (2 of 4 stars). 3 submissions from 3 submitters: Likely benign (3). Last evaluated 2025-12-23.

Conditions:
TTLL5-related disorder. Also called: TTLL5-related condition.

Allele frequency attached by ClinVar (database versions not stated): gnomAD exomes 0.00004 and 0.00003; TOPMed 0.00004; ESP Exome Variant Server 0.00008; gnomAD 0.00001; ExAC 0.00002.
gnomAD v4.1: 51 of 1,601,394 alleles (0.0032%); highest among the groups gnomAD compares: Non-Finnish European, 0.0043%; no homozygotes.

Submissions (3):

Labcorp Genetics (formerly Invitae), Labcorp
Classification: Likely benign. Last evaluated: 2025-12-23. Review status: criteria provided, single submitter. Criteria: Invitae Variant Classification Sherloc (09022015). Collection method: clinical testing. Allele origin: germline.

PreventionGenetics, part of Exact Sciences
Classification: Likely benign for TTLL5-related condition. Last evaluated: 2025-01-31. Review status: criteria provided, single submitter. Criteria: ACMG Guidelines, 2015. Collection method: clinical testing. Allele origin: germline.
Comment: This variant is classified as likely benign based on ACMG/AMP sequence variant interpretation guidelines (Richards et al. 2015 PMID: 25741868, with internal and published modifications).

Blueprint Genetics
Classification: Likely benign. Last evaluated: 2024-09-12. Review status: criteria provided, single submitter. Criteria: ACMG Guidelines, 2015. Collection method: clinical testing. Allele origin: germline.

NM_015072.5(TTLL5):c.3187T>C (p.Leu1063=)

Gene: TTLL5 (tubulin tyrosine ligase like 5; plus strand). Cytogenetic location: 14q24.3.
Variant type: single nucleotide variant.
Coding change: c.3187T>C on transcript NM_015072.5 (MANE Select); coding-DNA position 3187, T replaced by C.
Protein change: p.Leu1063=; no amino-acid change (leucine 1063 retained).
Molecular consequence: synonymous variant.
Genome position (GRCh38, 1-based): chr14:75,820,022, T>C. VCF-style: chr14-75820022-T-C. GRCh37 (hg19) VCF-style: chr14-76286365-T-C.
Other names: c.3187T>C (NM_015072.4).
Identifiers: ClinVar variation 1112349 (VCV001112349.12), dbSNP rs144549986, ClinGen allele CA7279951.
Genomic context (GRCh38, chr14:75,820,022, plus strand): 5'-TAAAAACTCTGTAAAGTCAGGTTATTTCCCTCGCTTTATTTCTAGGTAACAAACCTGAAT[T>C]TGGCAACTGGCATCATAAACAGAAGCAGTGCTTCAGCTCCCCCAACCCTCCGACCCATCA-3'
Protein context (NP_055887.3, residues 1053-1073): LLTQQVTNLN[Leu1063=]ATGIINRSSA